The following is an entry in ClinVar:

ClinVar aggregate classification (germline): Pathogenic (1 of 4 stars; one submission).

Conditions:
Duchenne muscular dystrophy (DMD). Also called: MUSCULAR DYSTROPHY, PSEUDOHYPERTROPHIC PROGRESSIVE, DUCHENNE TYPE; Duchenne Muscular Dystrophy (DMD). Identifiers: Orphanet 98896, MedGen C0013264, MONDO:0010679, OMIM 310200.

Submission:

Labcorp Genetics (formerly Invitae), Labcorp
Classification: Pathogenic for Duchenne muscular dystrophy. Last evaluated: 2022-12-08. Review status: criteria provided, single submitter. Criteria: Invitae Variant Classification Sherloc (09022015). Collection method: clinical testing. Allele origin: germline.
Comment: Algorithms developed to predict the effect of sequence changes on RNA splicing suggest that this variant may disrupt the consensus splice site. For these reasons, this variant has been classified as Pathogenic. ClinVar contains an entry for this variant (Variation ID: 1322565). Disruption of this splice site has been observed in individuals with Duchenne or Becker muscular dystrophy (PMID: 21515508, 27593222). This variant is not present in population databases (gnomAD no frequency). This sequence change affects an acceptor splice site in intron 6 of the DMD gene. It is expected to disrupt RNA splicing. Variants that disrupt the donor or acceptor splice site typically lead to a loss of protein function (PMID: 16199547), and loss-of-function variants in DMD are known to be pathogenic (PMID: 16770791, 25007885).

Literature cited by the submitters: PubMed 21515508; PubMed 27593222; PubMed 16199547; PubMed 16770791; PubMed 25007885.

NM_004006.3(DMD):c.531-1G>A

Gene: DMD (dystrophin; minus strand). Cytogenetic location: Xp21.1.
Variant type: single nucleotide variant.
Coding change: c.531-1G>A on transcript NM_004006.3 (MANE Select); the canonical splice acceptor site of the intron before coding-DNA position 531, G replaced by A.
Molecular consequence: splice acceptor variant.
Genome position (GRCh38, 1-based): chrX:32,809,612, C>T on the plus strand (G>A on the coding strand, the complement: DMD is on the minus strand). VCF-style: chrX-32809612-C-T. GRCh37 (hg19) VCF-style: chrX-32827729-C-T.
Other names: c.507-1G>A (NM_000109.4); c.519-1G>A (NM_004009.3); c.162-1G>A (NM_004010.3).
Identifiers: ClinVar variation 2737178 (VCV002737178.3), dbSNP rs1569526579, ClinGen allele CA412674012.
Genomic context (GRCh38, chrX:32,809,612, plus strand): 5'-TCCAGTCGTTGTGTGGCTGACTGCTGGCAAACCACACTATTCCAGTCAAATAGGTCTGGC[C>T]TAAAACACATACACATACACACATACACAAAGACAAATATAAATCAATCTAGAATGTTCC-3'